The following is an entry in ClinVar:

NM_000143.4(FH):c.80G>C (p.Gly27Ala)

Gene: FH (fumarate hydratase; minus strand). Cytogenetic location: 1q43.
Variant type: single nucleotide variant.
Coding change: c.80G>C on transcript NM_000143.4 (MANE Select); coding-DNA position 80, G replaced by C.
Protein change: p.Gly27Ala; replaces glycine 27 with alanine.
Molecular consequence: missense variant.
Genome position (GRCh38, 1-based): chr1:241,519,643, C>G on the plus strand (G>C on the coding strand, the complement: FH is on the minus strand). VCF-style: chr1-241519643-C-G. GRCh37 (hg19) VCF-style: chr1-241682943-C-G.
Other names: short protein forms G27A.
Identifiers: ClinVar variation 571338 (VCV000571338.13), dbSNP rs1339215584, ClinGen allele CA345442784.

ClinVar aggregate classification (germline): Uncertain significance. Review status: criteria provided, multiple submitters, no conflicts (2 of 4 stars). 3 submissions from 3 submitters: Uncertain significance (3). Last evaluated 2025-08-04.

Conditions:
Hereditary cancer-predisposing syndrome. Also called: Hereditary neoplastic syndrome; Tumor predisposition; Neoplastic Syndromes, Hereditary; Hereditary Cancer Syndrome. Identifiers: Orphanet 140162, MedGen C0027672, MeSH D009386, MONDO:0015356.

Allele frequency attached by ClinVar (database versions not stated): gnomAD exomes below 0.00001; gnomAD 0.00001.
gnomAD v4.1: 2 of 1,547,834 alleles (0.00013%); highest among the groups gnomAD compares: Non-Finnish European, 0.00017%; no homozygotes.

Submissions (3):

Labcorp Genetics (formerly Invitae), Labcorp
Classification: Uncertain significance. Last evaluated: 2025-08-04. Review status: criteria provided, single submitter. Criteria: Invitae Variant Classification Sherloc (09022015). Collection method: clinical testing. Allele origin: germline.
Comment: This sequence change replaces glycine, which is neutral and non-polar, with alanine, which is neutral and non-polar, at codon 27 of the FH protein (p.Gly27Ala). This variant is present in population databases (no rsID available, gnomAD 0.007%). This variant has not been reported in the literature in individuals affected with FH-related conditions. ClinVar contains an entry for this variant (Variation ID: 571338). Invitae Evidence Modeling of protein sequence and biophysical properties (such as structural, functional, and spatial information, amino acid conservation, physicochemical variation, residue mobility, and thermodynamic stability) indicates that this missense variant is not expected to disrupt FH protein function with a negative predictive value of 95%. In summary, the available evidence is currently insufficient to determine the role of this variant in disease. Therefore, it has been classified as a Variant of Uncertain Significance.

Ambry Genetics
Classification: Uncertain significance for Hereditary cancer-predisposing syndrome. Last evaluated: 2024-04-19. Review status: criteria provided, single submitter. Criteria: Ambry Variant Classification Scheme 2023. Collection method: clinical testing. Allele origin: germline.
Comment: The p.G27A variant (also known as c.80G>C), located in coding exon 1 of the FH gene, results from a G to C substitution at nucleotide position 80. The glycine at codon 27 is replaced by alanine, an amino acid with similar properties. This amino acid position is not well conserved in available vertebrate species. In addition, the in silico prediction for this alteration is inconclusive. Since supporting evidence is limited at this time, the clinical significance of this alteration remains unclear.

GeneDx
Classification: Uncertain significance. Last evaluated: 2024-04-02. Review status: criteria provided, single submitter. Criteria: GeneDx Variant Classification Process June 2021. Collection method: clinical testing. Allele origin: germline. Affected: yes.
Comment: Not observed at significant frequency in large population cohorts (gnomAD); In silico analysis supports that this missense variant does not alter protein structure/function; Has not been previously published as pathogenic or benign to our knowledge